The following is an entry in ClinVar:

ClinVar aggregate classification (germline): Benign/Likely benign. Review status: criteria provided, multiple submitters, no conflicts (2 of 4 stars). 4 submissions from 4 submitters: Benign (2); Likely benign (2). Last evaluated 2026-01-28.

Conditions:
Joubert syndrome 23 (JBTS23). Identifiers: Orphanet 475, MedGen C4084822, MONDO:0014664, OMIM 616490.
Short-rib thoracic dysplasia 14 with polydactyly (SRTD14). Identifiers: Orphanet 397715, MedGen C4225286, MONDO:0014688, OMIM 616546.

Allele frequency attached by ClinVar (database versions not stated): gnomAD exomes 0.00086 and 0.00215; ExAC 0.00656; ESP Exome Variant Server 0.00759; 1000 Genomes Project 30x 0.00765; 1000 Genomes Project 0.00779; gnomAD 0.00971 and 0.01047; TOPMed 0.01065.

Submissions (4):

Labcorp Genetics (formerly Invitae), Labcorp
Classification: Benign for Joubert syndrome 23; Short-rib thoracic dysplasia 14 with polydactyly. Last evaluated: 2026-01-28. Review status: criteria provided, single submitter. Criteria: Invitae Variant Classification Sherloc (09022015). Collection method: clinical testing. Allele origin: germline.

Mayo Clinic Laboratories, Mayo Clinic
Classification: Benign. Last evaluated: 2024-12-13. Review status: criteria provided, single submitter. Criteria: ACMG Guidelines, 2015. Collection method: clinical testing. Allele origin: germline. Observed: 2 variant alleles.
Comment: BS1, BS2, BP4, BP7

GeneDx
Classification: Likely benign. Last evaluated: 2021-01-20. Review status: criteria provided, single submitter. Criteria: GeneDx Variant Classification Process June 2021. Collection method: clinical testing. Allele origin: germline. Affected: yes.

Breakthrough Genomics
Classification: Likely benign. Review status: criteria provided, single submitter. Criteria: ACMG Guidelines, 2015. Collection method: not provided. Allele origin: germline. Inheritance: Autosomal recessive inheritance. Affected: yes.

NM_001329943.3(KIAA0586):c.1230A>G (p.Gly410=)

Gene: KIAA0586 (KIAA0586; plus strand). Cytogenetic location: 14q23.1.
Variant type: single nucleotide variant.
Coding change: c.1230A>G on transcript NM_001329943.3 (MANE Select); coding-DNA position 1230, A replaced by G.
Protein change: p.Gly410=; no amino-acid change (glycine 410 retained).
Molecular consequence: synonymous variant.
Genome position (GRCh38, 1-based): chr14:58,453,450, A>G. VCF-style: chr14-58453450-A-G. GRCh37 (hg19) VCF-style: chr14-58920168-A-G.
Other names: p.Gly463=; c.1389A>G, p.Gly463= (NM_001244189.2); c.1185A>G, p.Gly395= (NM_001244190.2); c.975A>G, p.Gly325= (NM_001244191.2, NM_001329945.2, NM_001364700.1 and 1 more transcripts); c.1098A>G, p.Gly366= (NM_001244192.2); c.810A>G, p.Gly270= (NM_001244193.2); c.1230A>G, p.Gly410= (NM_001329944.2, NM_001329946.2, NM_001329947.2 and 1 more transcripts).
Identifiers: ClinVar variation 475439 (VCV000475439.17), dbSNP rs10135645, ClinGen allele CA7205583.